The following is an entry in ClinVar:

ClinVar aggregate classification (germline): Uncertain significance. Review status: criteria provided, multiple submitters, no conflicts (2 of 4 stars). 2 submissions from 2 submitters: Uncertain significance (2). Last evaluated 2023-11-21.

Conditions:
Cardiovascular phenotype. Identifiers: MedGen CN230736.
Dilated cardiomyopathy 1J (CMD1J). Also called: CARDIOMYOPATHY, DILATED, WITH SENSORINEURAL HEARING LOSS, AUTOSOMAL DOMINANT. Identifiers: Orphanet 217622, MedGen C1854368, MONDO:0011541, OMIM 605362.

Allele frequency attached by ClinVar (database versions not stated): gnomAD exomes below 0.00001 and 0.00001; ExAC 0.00002.
gnomAD v4.1: 2 of 1,613,278 alleles (0.00012%); highest among the groups gnomAD compares: Admixed American, 0.0033%; no homozygotes.

Submissions (2):

Ambry Genetics
Classification: Uncertain significance for Cardiovascular phenotype. Last evaluated: 2023-11-21. Review status: criteria provided, single submitter. Criteria: Ambry Variant Classification Scheme 2023. Collection method: clinical testing. Allele origin: germline.
Comment: The p.Q137R variant (also known as c.410A>G), located in coding exon 6 of the EYA4 gene, results from an A to G substitution at nucleotide position 410. The glutamine at codon 137 is replaced by arginine, an amino acid with highly similar properties. This amino acid position is conserved. In addition, this alteration is predicted to be deleterious by in silico analysis. Since supporting evidence is limited at this time, the clinical significance of this alteration remains unclear.

Labcorp Genetics (formerly Invitae), Labcorp
Classification: Uncertain significance for Dilated cardiomyopathy 1J. Last evaluated: 2022-03-09. Review status: criteria provided, single submitter. Criteria: Invitae Variant Classification Sherloc (09022015). Collection method: clinical testing. Allele origin: germline.
Comment: In summary, the available evidence is currently insufficient to determine the role of this variant in disease. Therefore, it has been classified as a Variant of Uncertain Significance. Algorithms developed to predict the effect of missense changes on protein structure and function are either unavailable or do not agree on the potential impact of this missense change (SIFT: "Tolerated"; PolyPhen-2: "Possibly Damaging"; Align-GVGD: "Class C0"). ClinVar contains an entry for this variant (Variation ID: 837572). This variant has not been reported in the literature in individuals affected with EYA4-related conditions. This variant is present in population databases (rs754993172, gnomAD 0.006%). This sequence change replaces glutamine, which is neutral and polar, with arginine, which is basic and polar, at codon 137 of the EYA4 protein (p.Gln137Arg).

NM_004100.5(EYA4):c.410A>G (p.Gln137Arg)

Gene: EYA4 (EYA transcriptional coactivator and phosphatase 4; plus strand). Cytogenetic location: 6q23.2.
Variant type: single nucleotide variant.
Coding change: c.410A>G on transcript NM_004100.5 (MANE Select); coding-DNA position 410, A replaced by G.
Protein change: p.Gln137Arg; replaces glutamine 137 with arginine.
Molecular consequence: missense variant.
Genome position (GRCh38, 1-based): chr6:133,461,153, A>G. VCF-style: chr6-133461153-A-G. GRCh37 (hg19) VCF-style: chr6-133782291-A-G.
Other names: c.248A>G, p.Gln83Arg (NM_001301012.2, NM_001370459.1); c.410A>G, p.Gln137Arg (NM_001301013.2, NM_172105.4); c.341A>G, p.Gln114Arg (NM_001370458.1, NM_172103.4); short protein forms Q137R, Q83R, Q114R.
Identifiers: ClinVar variation 837572 (VCV000837572.8), dbSNP rs754993172, ClinGen allele CA4008053.